The following is an entry in ClinVar:

NM_001134363.3(RBM20):c.1004C>T (p.Ala335Val)

Gene: RBM20 (RNA binding motif protein 20; plus strand). Cytogenetic location: 10q25.2.
Variant type: single nucleotide variant.
Coding change: c.1004C>T on transcript NM_001134363.3 (MANE Select); coding-DNA position 1004, C replaced by T.
Protein change: p.Ala335Val; replaces alanine 335 with valine.
Molecular consequence: missense variant.
Genome position (GRCh38, 1-based): chr10:110,781,613, C>T. VCF-style: chr10-110781613-C-T. GRCh37 (hg19) VCF-style: chr10-112541371-C-T.
Other names: c.1004C>T (NM_001134363.1); short protein forms A335V.
Identifiers: ClinVar variation 1474298 (VCV001474298.7), dbSNP rs765185397, ClinGen allele CA5688546.

ClinVar aggregate classification (germline): Uncertain significance. Review status: criteria provided, multiple submitters, no conflicts (2 of 4 stars). 2 submissions from 2 submitters: Uncertain significance (2). Last evaluated 2026-06-12.

Conditions:
Dilated cardiomyopathy 1DD (CMD1DD). Identifiers: Orphanet 154, MedGen C2750995, MONDO:0013168, OMIM 613172.
Cardiovascular phenotype. Identifiers: MedGen CN230736.

Allele frequency attached by ClinVar (database versions not stated): ExAC 0.00005; TOPMed 0.00001; gnomAD exomes below 0.00001 and 0.00001.
gnomAD v4.1: 1 of 1,551,050 alleles (0.000064%); no homozygotes.

Submissions (2):

Ambry Genetics
Classification: Uncertain significance for Cardiovascular phenotype. Last evaluated: 2026-06-12. Review status: criteria provided, single submitter. Criteria: Ambry Variant Classification Scheme 2023. Collection method: clinical testing. Allele origin: germline.
Comment: The p.A335V variant (also known as c.1004C>T), located in coding exon 2 of the RBM20 gene, results from a C to T substitution at nucleotide position 1004. The alanine at codon 335 is replaced by valine, an amino acid with similar properties. This amino acid position is conserved. In addition, this alteration is predicted to be tolerated by in silico analysis. Based on the available evidence, the clinical significance of this variant remains unclear.

Labcorp Genetics (formerly Invitae), Labcorp
Classification: Uncertain significance for Dilated cardiomyopathy 1DD. Last evaluated: 2024-01-19. Review status: criteria provided, single submitter. Criteria: Invitae Variant Classification Sherloc (09022015). Collection method: clinical testing. Allele origin: germline.
Comment: This sequence change replaces alanine, which is neutral and non-polar, with valine, which is neutral and non-polar, at codon 335 of the RBM20 protein (p.Ala335Val). This variant is present in population databases (rs765185397, gnomAD 0.002%). This variant has not been reported in the literature in individuals affected with RBM20-related conditions. ClinVar contains an entry for this variant (Variation ID: 1474298). Advanced modeling of protein sequence and biophysical properties (such as structural, functional, and spatial information, amino acid conservation, physicochemical variation, residue mobility, and thermodynamic stability) performed at Invitae indicates that this missense variant is not expected to disrupt RBM20 protein function with a negative predictive value of 95%. In summary, the available evidence is currently insufficient to determine the role of this variant in disease. Therefore, it has been classified as a Variant of Uncertain Significance.